The following is an entry in ClinVar:

NM_182914.3(SYNE2):c.15159+4A>G

Gene: SYNE2 (spectrin repeat containing nuclear envelope protein 2; plus strand). Cytogenetic location: 14q23.2.
Variant type: single nucleotide variant.
Coding change: c.15159+4A>G on transcript NM_182914.3 (MANE Select); 4 bases into the intron after coding-DNA position 15159, A replaced by G.
Molecular consequence: intron variant.
Genome position (GRCh38, 1-based): chr14:64,141,527, A>G. VCF-style: chr14-64141527-A-G. GRCh37 (hg19) VCF-style: chr14-64608245-A-G.
Other names: c.15159+4A>G (NM_015180.6).
Identifiers: ClinVar variation 1362722 (VCV001362722.6), dbSNP rs749960169, ClinGen allele CA7222986.
Genomic context (GRCh38, chr14:64,141,527, plus strand): 5'-CAAAAATGGACAATGCTCATAACTCAACTTCCAGATATTCAAGAAAAACTTCACCAGGTA[A>G]GTCTTTAGAGCCTCAGCATTTGAATTAGCATTCACTTGTTAGCTCATAACTCTTTTAAAA-3'

ClinVar aggregate classification (germline): Uncertain significance (1 of 4 stars; one submission).

Conditions:
Emery-Dreifuss muscular dystrophy 5, autosomal dominant (EDMD5). Also called: EMERY-DREIFUSS MUSCULAR DYSTROPHY 5. Identifiers: Orphanet 261, MedGen C2751805, MONDO:0013072, OMIM 612999.

Allele frequency attached by ClinVar (database versions not stated): gnomAD exomes below 0.00001 and 0.00001; ExAC 0.00001; gnomAD 0.00001; TOPMed 0.00001.
gnomAD v4.1: 7 of 1,613,568 alleles (0.00043%); highest among the groups gnomAD compares: Admixed American, 0.0017%; no homozygotes.

Submission:

Labcorp Genetics (formerly Invitae), Labcorp
Classification: Uncertain significance for Emery-Dreifuss muscular dystrophy 5, autosomal dominant. Last evaluated: 2025-10-21. Review status: criteria provided, single submitter. Criteria: Invitae Variant Classification Sherloc (09022015). Collection method: clinical testing. Allele origin: germline.
Comment: This sequence change falls in intron 81 of the SYNE2 gene. It does not directly change the encoded amino acid sequence of the SYNE2 protein. It affects a nucleotide within the consensus splice site. This variant is present in population databases (rs749960169, gnomAD 0.003%). This variant has not been reported in the literature in individuals affected with SYNE2-related conditions. ClinVar contains an entry for this variant (Variation ID: 1362722). Variants that disrupt the consensus splice site are a relatively common cause of aberrant splicing (PMID: 17576681, 9536098). Algorithms developed to predict the effect of sequence changes on RNA splicing suggest that this variant is not likely to affect RNA splicing. In summary, the available evidence is currently insufficient to determine the role of this variant in disease. Therefore, it has been classified as a Variant of Uncertain Significance.

Literature cited by the submitters: PubMed 17576681; PubMed 9536098.